The following is an entry in ClinVar:

NM_194302.4(CFAP65):c.2919C>T (p.Pro973=)

Gene: CFAP65 (cilia and flagella associated protein 65; minus strand). Cytogenetic location: 2q35.
Variant type: single nucleotide variant.
Coding change: c.2919C>T on transcript NM_194302.4 (MANE Select); coding-DNA position 2919, C replaced by T.
Protein change: p.Pro973=; no amino-acid change (proline 973 retained).
Molecular consequence: synonymous variant.
Genome position (GRCh38, 1-based): chr2:219,022,231, G>A on the plus strand (C>T on the coding strand, the complement: CFAP65 is on the minus strand). VCF-style: chr2-219022231-G-A. GRCh37 (hg19) VCF-style: chr2-219886953-G-A.
Identifiers: ClinVar variation 783209 (VCV000783209.28), dbSNP rs139797387, ClinGen allele CA2115491.
Genomic context (GRCh38, chr2:219,022,231, plus strand): 5'-AGAGAGGCTGCTGGTGAGCCCAACGCCCACCAGCCGGAGCATGTAGTGGGTGGTGGCAGC[G>A]GGGTTGGCATTTGGGGACAGGCCGGCTTCCCAGACCCACATCCCCACTTGGAACAGGTAC-3'
Protein context (NP_919278.2, residues 963-983): WEAGLSPNAN[Pro973=]AATTHYMLRL

ClinVar aggregate classification (germline): Benign/Likely benign. Review status: criteria provided, multiple submitters, no conflicts (2 of 4 stars). 3 submissions from 3 submitters: Benign (2); Likely benign (1). Last evaluated 2022-10-01.

Allele frequency attached by ClinVar (database versions not stated): gnomAD exomes 0.00065; ExAC 0.00101; 1000 Genomes Project 0.00240; gnomAD 0.00271 and 0.00287; ESP Exome Variant Server 0.00292; 1000 Genomes Project 30x 0.00297; TOPMed 0.00341.
gnomAD v4.1: 900 of 1,606,524 alleles (0.056%); highest among the groups gnomAD compares: African/African-American, 0.9%; 4 homozygotes.

Submissions (3):

CeGaT Center for Human Genetics Tuebingen
Classification: Likely benign. Last evaluated: 2022-10-01. Review status: criteria provided, single submitter. Criteria: CeGaT Center For Human Genetics Tuebingen Variant Classification Criteria Version 2. Collection method: clinical testing. Allele origin: germline. Affected: yes. Observed: 1 variant allele.
Comment: CFAP65: BP4, BP7

Labcorp Genetics (formerly Invitae), Labcorp
Classification: Benign. Last evaluated: 2018-04-16. Review status: criteria provided, single submitter. Criteria: Invitae Variant Classification Sherloc (09022015). Collection method: clinical testing. Allele origin: germline.

Breakthrough Genomics
Classification: Benign. Review status: criteria provided, single submitter. Criteria: ACMG Guidelines, 2015. Collection method: not provided. Allele origin: germline. Inheritance: Autosomal recessive inheritance. Affected: yes.